The following is an entry in ClinVar:

ClinVar aggregate classification (germline): Uncertain significance (1 of 4 stars; one submission).

Conditions:
Deficiency of aromatic-L-amino-acid decarboxylase. Also called: AADC DEFICIENCY; Aromatic amino acid decarboxylase deficiency; DDC DEFICIENCY; DOPA DECARBOXYLASE DEFICIENCY; Aromatic L-Amino Acid Decarboxylase Deficiency. Identifiers: Orphanet 35708, MedGen C1291564, MONDO:0012084, OMIM 608643.

gnomAD v4.1: 1 of 1,612,960 alleles (0.000062%); highest among the groups gnomAD compares: Non-Finnish European, 0.000085%; no homozygotes.

Submission:

Labcorp Genetics (formerly Invitae), Labcorp
Classification: Uncertain significance for Deficiency of aromatic-L-amino-acid decarboxylase. Last evaluated: 2025-10-02. Review status: criteria provided, single submitter. Criteria: Invitae Variant Classification Sherloc (09022015). Collection method: clinical testing. Allele origin: germline.
Comment: This sequence change falls in intron 5 of the DDC gene. It does not directly change the encoded amino acid sequence of the DDC protein. It affects a nucleotide within the consensus splice site. This variant is not present in population databases (gnomAD no frequency). This variant has not been reported in the literature in individuals affected with DDC-related conditions. ClinVar contains an entry for this variant (Variation ID: 2084127). Variants that disrupt the consensus splice site are a relatively common cause of aberrant splicing (PMID: 17576681, 9536098). Algorithms developed to predict the effect of sequence changes on RNA splicing suggest that this variant is not likely to affect RNA splicing. In summary, the available evidence is currently insufficient to determine the role of this variant in disease. Therefore, it has been classified as a Variant of Uncertain Significance.

Literature cited by the submitters: PubMed 17576681; PubMed 9536098.

NM_001082971.2(DDC):c.570+5G>C

Gene: DDC (dopa decarboxylase; minus strand). Cytogenetic location: 7p12.1.
Variant type: single nucleotide variant.
Coding change: c.570+5G>C on transcript NM_001082971.2 (MANE Select); 5 bases into the intron after coding-DNA position 570, G replaced by C.
Molecular consequence: intron variant.
Genome position (GRCh38, 1-based): chr7:50,529,203, C>G on the plus strand (G>C on the coding strand, the complement: DDC is on the minus strand). VCF-style: chr7-50529203-C-G. GRCh37 (hg19) VCF-style: chr7-50596901-C-G.
Other names: c.336+5G>C (NM_001242888.2); c.456+5G>C (NM_001242886.2); c.435+8657G>C (NM_001242889.2); c.570+5G>C (NM_001242887.2, NM_000790.4, NM_001242890.2).
Identifiers: ClinVar variation 2084127 (VCV002084127.4), dbSNP rs2044127376, ClinGen allele CA2580077228.